The following is an entry in ClinVar:

ClinVar aggregate classification (germline): Pathogenic/Likely pathogenic. Review status: criteria provided, multiple submitters, no conflicts (2 of 4 stars). 2 submissions from 2 submitters: Pathogenic (1); Likely pathogenic (1). Last evaluated 2024-11-18.

Conditions:
Bardet-Biedl syndrome (BBS). Identifiers: Orphanet 110, MedGen C0752166, MONDO:0015229.
Bardet-Biedl syndrome 2 (BBS2). Identifiers: Orphanet 110, MedGen C2936863, MONDO:0014432, OMIM 615981.

Allele frequency attached by ClinVar (database versions not stated): gnomAD exomes below 0.00001.
gnomAD v4.1: 4 of 1,610,710 alleles (0.00025%); highest among the groups gnomAD compares: Non-Finnish European, 0.00034%; no homozygotes.

Submissions (2):

Natera, Inc.
Classification: Likely pathogenic for Bardet-Biedl syndrome type 2. Last evaluated: 2024-11-18. Review status: criteria provided, single submitter. Criteria: Natera Variant Classification Schema (03/2026). Collection method: clinical testing. Allele origin: germline.
Comment: The c.613-1G>C variant in BBS2 is a canonical splice acceptor site variant predicted to affect pre-mRNA splicing, which may result in an abnormal transcript and altered protein product. This variant is expected to result in nonsense mediated decay, truncation, or a dysfunctional protein product. This variant is rare in the general population with a frequency below the threshold expected for the associated phenotype(s). This variant has been observed in one or more individuals affected with the associated recessive disease, as either homozygous or compound heterozygous with a second variant (PMID: 35112343, 27659767). Given the available evidence, this variant is classified as Likely Pathogenic.

Labcorp Genetics (formerly Invitae), Labcorp
Classification: Pathogenic for Bardet-Biedl syndrome. Last evaluated: 2023-09-25. Review status: criteria provided, single submitter. Criteria: Invitae Variant Classification Sherloc (09022015). Collection method: clinical testing. Allele origin: germline.
Comment: This sequence change affects an acceptor splice site in intron 5 of the BBS2 gene. It is expected to disrupt RNA splicing. Variants that disrupt the donor or acceptor splice site typically lead to a loss of protein function (PMID: 16199547), and loss-of-function variants in BBS2 are known to be pathogenic (PMID: 11285252, 20177705, 24608809, 26518167). For these reasons, this variant has been classified as Pathogenic. Studies have shown that disruption of this splice site is associated with altered splicing resulting in unknown protein product impact (PMID: 28717663). Studies have shown that disruption of this splice site alters BBS2 gene expression (PMID: 28717663). ClinVar contains an entry for this variant (Variation ID: 1070027). Disruption of this splice site has been observed in individual(s) with BBS2-related conditions and/or clinical features of Bardet-Biedl syndrome (PMID: 28717663, 35112343). This variant is not present in population databases (gnomAD no frequency).

Literature cited by the submitters: PubMed 35112343 (cited by Natera, Inc. and Labcorp Genetics (formerly Invitae), Labcorp); PubMed 27659767 (cited by Natera, Inc.); PubMed 16199547 (cited by Labcorp Genetics (formerly Invitae), Labcorp); PubMed 11285252 (cited by Labcorp Genetics (formerly Invitae), Labcorp); PubMed 20177705 (cited by Labcorp Genetics (formerly Invitae), Labcorp); PubMed 24608809 (cited by Labcorp Genetics (formerly Invitae), Labcorp); PubMed 26518167 (cited by Labcorp Genetics (formerly Invitae), Labcorp); PubMed 28717663 (cited by Labcorp Genetics (formerly Invitae), Labcorp).

NM_031885.5(BBS2):c.613-1G>C

Gene: BBS2 (Bardet-Biedl syndrome 2; minus strand). Cytogenetic location: 16q13.
Variant type: single nucleotide variant.
Coding change: c.613-1G>C on transcript NM_031885.5 (MANE Select); the canonical splice acceptor site of the intron before coding-DNA position 613, G replaced by C.
Molecular consequence: splice acceptor variant.
Genome position (GRCh38, 1-based): chr16:56,506,225, C>G on the plus strand (G>C on the coding strand, the complement: BBS2 is on the minus strand). VCF-style: chr16-56506225-C-G. GRCh37 (hg19) VCF-style: chr16-56540137-C-G.
Other names: c.613-1G>C (NM_001377456.1, NM_031885.3).
Identifiers: ClinVar variation 1070027 (VCV001070027.9), dbSNP rs2144163316, ClinGen allele CA395983384.